The following is an entry in ClinVar:

ClinVar aggregate classification (germline): Uncertain significance (1 of 4 stars; one submission).

Conditions:
Hypertrophic cardiomyopathy 26. Also called: Cardiomyopathy, familial hypertrophic, 26. Identifiers: Orphanet 75249, MedGen C4310749, MONDO:0014883, OMIM 617047.
Myofibrillar myopathy 5. Also called: Filaminopathy (type); FILAMINOPATHY, AUTOSOMAL DOMINANT. Identifiers: Orphanet 171445, MedGen C1836050, MONDO:0012289, OMIM 609524.
Distal myopathy with posterior leg and anterior hand involvement. Also called: WILLIAMS DISTAL MYOPATHY. Identifiers: Orphanet 63273, MedGen C3279722, MONDO:0013550, OMIM 614065.

Submission:

Labcorp Genetics (formerly Invitae), Labcorp
Classification: Uncertain significance for Distal myopathy with posterior leg and anterior hand involvement; Myofibrillar myopathy 5; Hypertrophic cardiomyopathy 26. Last evaluated: 2023-12-19. Review status: criteria provided, single submitter. Criteria: Invitae Variant Classification Sherloc (09022015). Collection method: clinical testing. Allele origin: germline.
Comment: This sequence change replaces serine, which is neutral and polar, with threonine, which is neutral and polar, at codon 2246 of the FLNC protein (p.Ser2246Thr). This variant is not present in population databases (gnomAD no frequency). This variant has not been reported in the literature in individuals affected with FLNC-related conditions. Advanced modeling of protein sequence and biophysical properties (such as structural, functional, and spatial information, amino acid conservation, physicochemical variation, residue mobility, and thermodynamic stability) performed at Invitae indicates that this missense variant is not expected to disrupt FLNC protein function with a negative predictive value of 80%. In summary, the available evidence is currently insufficient to determine the role of this variant in disease. Therefore, it has been classified as a Variant of Uncertain Significance.

NM_001458.5(FLNC):c.6737G>C (p.Ser2246Thr)

Genes: FLNC-AS1 (FLNC antisense RNA 1; minus strand), FLNC (filamin C; plus strand). Cytogenetic location: 7q32.1.
Variant type: single nucleotide variant.
Coding change: c.6737G>C on transcript NM_001458.5 (MANE Select); coding-DNA position 6737, G replaced by C.
Protein change: p.Ser2246Thr; replaces serine 2246 with threonine.
Molecular consequence: missense variant.
Genome position (GRCh38, 1-based): chr7:128,854,422, G>C. VCF-style: chr7-128854422-G-C. GRCh37 (hg19) VCF-style: chr7-128494476-G-C.
Other names: c.6638G>C, p.Ser2213Thr (NM_001127487.2); short protein forms S2246T, S2213T.
Identifiers: ClinVar variation 2931588 (VCV002931588.3), dbSNP rs1808964556, ClinGen allele CA369213478.
Genomic context (GRCh38, chr7:128,854,422, plus strand): 5'-CAGGGCTAGGAGGAATCCCAGTGTTGCCCTGACATCCCCCAAACCCTGCAGGTGAGGCCA[G>C]CTCTCAGGACATGACTGCACAGGTGACCAGCCCATCGGGCAAGGTGGAAGCCGCAGAGAT-3'
Protein context (NP_001449.3, residues 2236-2256): SITRQQEGEA[Ser2246Thr]SQDMTAQVTS